The following is an entry in ClinVar:

ClinVar aggregate classification (germline): Pathogenic. Review status: criteria provided, single submitter (1 of 4 stars). 2 submissions from 2 submitters: Pathogenic (1). 1 of the submissions does not count toward it. Last evaluated 2025-11-29.

Conditions:
Congenital diarrhea 7 with exudative enteropathy. Also called: Diarrhea 7. Identifiers: Orphanet 329242, MedGen C4014516, MONDO:0014375, OMIM 615863.

Allele frequency attached by ClinVar (database versions not stated): gnomAD exomes 0.00001 and 0.00002; TOPMed 0.00001; gnomAD 0.00001 and 0.00002; ExAC 0.00002.

Submissions (2):

3billion
Classification: Pathogenic for Congenital diarrhea 7 with exudative enteropathy. Last evaluated: 2025-11-29. Review status: criteria provided, single submitter. Criteria: ACMG Guidelines, 2015. Collection method: clinical testing. Allele origin: germline. Affected: yes.
Comment: The variant is observed at an extremely low frequency in the gnomAD v4.1.0 dataset (total allele frequency: 0.001%). Predicted Consequence/Location: Frameshift: predicted to result in a loss or disruption of normal protein function through nonsense-mediated decay (NMD) or protein truncation. Multiple pathogenic variants are reported downstream of the variant. The variant has been reported to be associated with DGAT1-related disorder (ClinVar ID: VCV002573110 /PMID: 37908965). Therefore, this variant is classified as Pathogenic according to the recommendation of ACMG/AMP guideline.

Department of Pediatrics, ShengJing Hospital of China Medical University
Classification: Likely pathogenic for Congenital diarrhea 7 with exudative enteropathy. Last evaluated: 2022-08-03. Review status: no assertion criteria provided. Collection method: provider interpretation. Allele origin: paternal. Inheritance: Autosomal recessive inheritance. Affected: yes. Observed: 2 compound heterozygotes. Clinical features observed: Diarrhea (HP:0002014), Hypoproteinemia (HP:0003075). Not counted in ClinVar's aggregate classification.

Literature cited by the submitters: PubMed 37908965 (cited by 3billion).

NM_012079.6(DGAT1):c.1215_1216del (p.Phe408fs)

Gene: DGAT1 (diacylglycerol O-acyltransferase 1; minus strand). Cytogenetic location: 8q24.3.
Variant type: Deletion.
Coding change: c.1215_1216del on transcript NM_012079.6 (MANE Select); coding-DNA positions 1215 to 1216, 2 bases deleted (AG; older notation c.1215_1216delAG).
Protein change: p.Phe408fs; shifts the reading frame from phenylalanine 408.
Molecular consequence: frameshift variant.
Genome position (GRCh38, 1-based): chr8:144,317,054-144,317,055, CT deleted on the plus strand (AG on the coding strand, the reverse complement: DGAT1 is on the minus strand). VCF-style (leftmost placement, unchanged base first): chr8-144317053-CCT-C. GRCh37 (hg19) VCF-style: chr8-145540716-CCT-C.
Other names: c.1215_1216delAG (NM_012079.6); short protein forms F408fs.
Identifiers: ClinVar variation 2573110 (VCV002573110.3), dbSNP rs781984305, ClinGen allele CA4936623.